The following is an entry in ClinVar:

NM_004370.6(COL12A1):c.2164+6A>G

Gene: COL12A1 (collagen type XII alpha 1 chain; minus strand). Cytogenetic location: 6q13.
Variant type: single nucleotide variant.
Coding change: c.2164+6A>G on transcript NM_004370.6 (MANE Select); 6 bases into the intron after coding-DNA position 2164, A replaced by G.
Molecular consequence: intron variant.
Genome position (GRCh38, 1-based): chr6:75,180,933, T>C on the plus strand (A>G on the coding strand, the complement: COL12A1 is on the minus strand). VCF-style: chr6-75180933-T-C. GRCh37 (hg19) VCF-style: chr6-75890649-T-C.
Other names: c.73+21787A>G (NM_080645.3).
Identifiers: ClinVar variation 1349614 (VCV001349614.6), dbSNP rs746467248, ClinGen allele CA2573141231.
Genomic context (GRCh38, chr6:75,180,933, plus strand): 5'-ACTGTAACTTTGTAGTGCAATAAATTATTCATTTTCTGAATAACAGTGGCAGAAACCCCA[T>C]CACACCTTCTTCGGTGGTCTCCTCTCCAGCTAAGGGAATGCTGAAGCCATCCTCATACTC-3'

ClinVar aggregate classification (germline): Uncertain significance (1 of 4 stars; one submission).

Conditions:
Ullrich congenital muscular dystrophy 2 (UCMD2). Identifiers: Orphanet 75840, MedGen C4225314, MONDO:0014654, OMIM 616470.
Bethlem myopathy 2 (BTHLM2). Identifiers: Orphanet 536516, Orphanet 610, MedGen C4225313, MONDO:0034022, OMIM 616471.

gnomAD v4.1: 2 of 1,607,436 alleles (0.00012%); highest among the groups gnomAD compares: Non-Finnish European, 0.00017%; no homozygotes.

Submission:

Labcorp Genetics (formerly Invitae), Labcorp
Classification: Uncertain significance for Bethlem myopathy 2; Ullrich congenital muscular dystrophy 2. Last evaluated: 2021-08-21. Review status: criteria provided, single submitter. Criteria: Invitae Variant Classification Sherloc (09022015). Collection method: clinical testing. Allele origin: germline.
Comment: In summary, the available evidence is currently insufficient to determine the role of this variant in disease. Therefore, it has been classified as a Variant of Uncertain Significance. Variants that disrupt the consensus splice site are a relatively common cause of aberrant splicing (PMID: 17576681, 9536098). Algorithms developed to predict the effect of sequence changes on RNA splicing suggest that this variant may create or strengthen a splice site. This variant has not been reported in the literature in individuals affected with COL12A1-related conditions. This variant is not present in population databases (ExAC no frequency). This sequence change falls in intron 11 of the COL12A1 gene. It does not directly change the encoded amino acid sequence of the COL12A1 protein. It affects a nucleotide within the consensus splice site of the intron.

Literature cited by the submitters: PubMed 17576681; PubMed 9536098.